The following is an entry in ClinVar:

NM_003072.5(SMARCA4):c.1332C>G (p.Arg444=)

Gene: SMARCA4 (SWI/SNF related BAF chromatin remodeling complex subunit ATPase 4; plus strand). Cytogenetic location: 19p13.2.
Variant type: single nucleotide variant.
Coding change: c.1332C>G on transcript NM_003072.5 (MANE Select); coding-DNA position 1332, C replaced by G.
Protein change: p.Arg444=; no amino-acid change (arginine 444 retained).
Molecular consequence: synonymous variant. On other transcripts: non-coding transcript variant (1).
Genome position (GRCh38, 1-based): chr19:10,991,236, C>G. VCF-style: chr19-10991236-C-G. GRCh37 (hg19) VCF-style: chr19-11101912-C-G.
Other names: c.1332C>G, p.Arg444= (NM_001128844.3, NM_001128845.2, NM_001128846.2 and 6 more transcripts).
Identifiers: ClinVar variation 1770170 (VCV001770170.12), dbSNP rs2145880283, ClinGen allele CA505490109.

ClinVar aggregate classification (germline): Likely benign. Review status: criteria provided, multiple submitters, no conflicts (2 of 4 stars). 3 submissions from 3 submitters: Likely benign (3). Last evaluated 2025-08-01.

Conditions:
Hereditary cancer-predisposing syndrome. Also called: Hereditary neoplastic syndrome; Neoplastic Syndromes, Hereditary; Tumor predisposition; Hereditary Cancer Syndrome. Identifiers: Orphanet 140162, MedGen C0027672, MeSH D009386, MONDO:0015356.
Rhabdoid tumor predisposition syndrome 2 (RTPS2). Identifiers: Orphanet 231108, Orphanet 69077, MedGen C2750074, MONDO:0013224, OMIM 613325.

Submissions (3):

CeGaT Center for Human Genetics Tuebingen
Classification: Likely benign. Last evaluated: 2025-08-01. Review status: criteria provided, single submitter. Criteria: CeGaT Center For Human Genetics Tuebingen Variant Classification Criteria Version 2. Collection method: clinical testing. Allele origin: germline. Affected: yes. Observed: 1 variant allele.
Comment: SMARCA4: PM2:Supporting, BP4, BP7

Labcorp Genetics (formerly Invitae), Labcorp
Classification: Likely benign for Rhabdoid tumor predisposition syndrome 2. Last evaluated: 2024-10-21. Review status: criteria provided, single submitter. Criteria: Invitae Variant Classification Sherloc (09022015). Collection method: clinical testing. Allele origin: germline.

Ambry Genetics
Classification: Likely benign for Hereditary cancer-predisposing syndrome. Last evaluated: 2022-07-19. Review status: criteria provided, single submitter. Criteria: Ambry Variant Classification Scheme 2023. Collection method: clinical testing. Allele origin: germline.